The following is an entry in ClinVar:

NM_000127.3(EXT1):c.1417+6T>C

Gene: EXT1 (exostosin glycosyltransferase 1; minus strand). Cytogenetic location: 8q24.11.
Variant type: single nucleotide variant.
Coding change: c.1417+6T>C on transcript NM_000127.3 (MANE Select); 6 bases into the intron after coding-DNA position 1417, T replaced by C.
Molecular consequence: intron variant.
Genome position (GRCh38, 1-based): chr8:117,822,459, A>G on the plus strand (T>C on the coding strand, the complement: EXT1 is on the minus strand). VCF-style: chr8-117822459-A-G. GRCh37 (hg19) VCF-style: chr8-118834698-A-G.
Identifiers: ClinVar variation 908083 (VCV000908083.9), dbSNP rs1811940247, ClinGen allele CA1139660726.

ClinVar aggregate classification (germline): Uncertain significance. Review status: criteria provided, multiple submitters, no conflicts (2 of 4 stars). 2 submissions from 2 submitters: Uncertain significance (2). Last evaluated 2021-12-01.

Conditions:
Multiple congenital exostosis (EXT). Also called: Hereditary multiple osteochondromas; MULTIPLE CARTILAGINOUS EXOSTOSES; Multiple exostoses; Multiple osteochondromas; Hereditary multiple exostoses; Hereditary multiple exostosis. Identifiers: Orphanet 321, MedGen C0015306, MONDO:0005508, HP:0002762.

Submissions (2):

Labcorp Genetics (formerly Invitae), Labcorp
Classification: Uncertain significance for Multiple congenital exostosis. Last evaluated: 2021-12-01. Review status: criteria provided, single submitter. Criteria: Invitae Variant Classification Sherloc (09022015). Collection method: clinical testing. Allele origin: germline.
Comment: In summary, the available evidence is currently insufficient to determine the role of this variant in disease. Therefore, it has been classified as a Variant of Uncertain Significance. Variants that disrupt the consensus splice site are a relatively common cause of aberrant splicing (PMID: 17576681, 9536098). Algorithms developed to predict the effect of sequence changes on RNA splicing suggest that this variant is not likely to affect RNA splicing. ClinVar contains an entry for this variant (Variation ID: 908083). This variant has not been reported in the literature in individuals affected with EXT1-related conditions. This variant is not present in population databases (gnomAD no frequency). This sequence change falls in intron 5 of the EXT1 gene. It does not directly change the encoded amino acid sequence of the EXT1 protein. It affects a nucleotide within the consensus splice site.

Illumina Laboratory Services, Illumina
Classification: Uncertain significance for Exostoses, multiple, type 1. Last evaluated: 2017-04-28. Review status: criteria provided, single submitter. Criteria: ICSL Variant Classification Criteria 13 December 2019. Collection method: clinical testing. Allele origin: germline.

Literature cited by the submitters: PubMed 17576681 (cited by Labcorp Genetics (formerly Invitae), Labcorp); PubMed 9536098 (cited by Labcorp Genetics (formerly Invitae), Labcorp).